The following is an entry in ClinVar:

ClinVar aggregate classification (germline): Likely benign. Review status: criteria provided, multiple submitters, no conflicts (2 of 4 stars). 5 submissions from 5 submitters: Likely benign (4). 1 of the submissions does not count toward it. Last evaluated 2025-12-30.

Conditions:
MFAP5-related disorder. Also called: MFAP5-related condition.
Cardiovascular phenotype. Identifiers: MedGen CN230736.

Allele frequency attached by ClinVar (database versions not stated): gnomAD exomes 0.00011 and 0.00021; ExAC 0.00016; gnomAD 0.00019 and 0.00021; TOPMed 0.00033.
gnomAD v4.1: 213 of 1,613,702 alleles (0.013%); highest among the groups gnomAD compares: Admixed American, 0.038%; 2 homozygotes.

Submissions (5):

Labcorp Genetics (formerly Invitae), Labcorp
Classification: Likely benign. Last evaluated: 2025-12-30. Review status: criteria provided, single submitter. Criteria: Invitae Variant Classification Sherloc (09022015). Collection method: clinical testing. Allele origin: germline.

Ambry Genetics
Classification: Likely benign for Cardiovascular phenotype. Last evaluated: 2024-01-10. Review status: criteria provided, single submitter. Criteria: Ambry Variant Classification Scheme 2023. Collection method: clinical testing. Allele origin: germline.

Blueprint Genetics
Classification: Likely benign. Last evaluated: 2022-09-08. Review status: criteria provided, single submitter. Criteria: ACMG Guidelines, 2015. Collection method: clinical testing. Allele origin: germline.

GeneDx
Classification: Likely benign. Last evaluated: 2021-03-25. Review status: criteria provided, single submitter. Criteria: GeneDx Variant Classification Process June 2021. Collection method: clinical testing. Allele origin: germline. Affected: yes.
Comment: This variant is associated with the following publications: (PMID: 28550590, 26854089)

PreventionGenetics, part of Exact Sciences
Classification: Likely benign for MFAP5-related condition. Last evaluated: 2019-07-08. Review status: no assertion criteria provided. Collection method: clinical testing. Allele origin: germline. Not counted in ClinVar's aggregate classification.
Comment: This variant is classified as likely benign based on ACMG/AMP sequence variant interpretation guidelines (Richards et al. 2015 PMID: 25741868, with internal and published modifications).

Literature cited by the submitters: PubMed 26854089 (cited by Ambry Genetics); PubMed 28550590 (cited by Ambry Genetics).

NM_003480.4(MFAP5):c.341G>A (p.Arg114Gln)

Gene: MFAP5 (microfibril associated protein 5; minus strand). Cytogenetic location: 12p13.31.
Variant type: single nucleotide variant.
Coding change: c.341G>A on transcript NM_003480.4 (MANE Select); coding-DNA position 341, G replaced by A.
Protein change: p.Arg114Gln; replaces arginine 114 with glutamine.
Molecular consequence: missense variant. On other transcripts: non-coding transcript variant (2), intron variant (1).
Genome position (GRCh38, 1-based): chr12:8,649,569, C>T on the plus strand (G>A on the coding strand, the complement: MFAP5 is on the minus strand). VCF-style: chr12-8649569-C-T. GRCh37 (hg19) VCF-style: chr12-8802165-C-T.
Other names: c.311G>A, p.Arg104Gln (NM_001297709.2); c.275G>A, p.Arg92Gln (NM_001297710.2); c.266G>A, p.Arg89Gln (NM_001297711.2); c.218-1366G>A (NM_001297712.2); short protein forms R89Q, R114Q, R92Q, R104Q.
Identifiers: ClinVar variation 679567 (VCV000679567.15), dbSNP rs774489509, ClinGen allele CA6434608.
Genomic context (GRCh38, chr12:8,649,569, plus strand): 5'-GCTTCGTGTTCCTTACAGACAAGACGAGAGCAGATCTCCTTGTTGACGATGTACATACGT[C>T]GTAAACTGCAGACGTCCCAGTGTCATAGGCAAGGAAGGAGATGGAAGAAAGCCTTGAGAG-3'
Protein context (NP_003471.1, residues 104-124): CIHQLCFTSL[Arg114Gln]RMYIVNKEIC